The following is an entry in ClinVar:

NM_025265.4(TSEN2):c.797C>T (p.Ala266Val)

Gene: TSEN2 (tRNA splicing endonuclease subunit 2; plus strand). Cytogenetic location: 3p25.2.
Variant type: single nucleotide variant.
Coding change: c.797C>T on transcript NM_025265.4 (MANE Select); coding-DNA position 797, C replaced by T.
Protein change: p.Ala266Val; replaces alanine 266 with valine.
Molecular consequence: missense variant. On other transcripts: non-coding transcript variant (1).
Genome position (GRCh38, 1-based): chr3:12,503,750, C>T. VCF-style: chr3-12503750-C-T. GRCh37 (hg19) VCF-style: chr3-12545249-C-T.
Other names: c.797C>T, p.Ala266Val (NM_001145392.2, NM_001145393.3, NM_001321277.2 and 2 more transcripts); c.620C>T, p.Ala207Val (NM_001145394.2); short protein forms A266V, A207V.
Identifiers: ClinVar variation 2834659 (VCV002834659.3), dbSNP rs2471521250, ClinGen allele CA351472584.

ClinVar aggregate classification (germline): Uncertain significance (1 of 4 stars; one submission).

Submission:

Labcorp Genetics (formerly Invitae), Labcorp
Classification: Uncertain significance. Last evaluated: 2023-12-06. Review status: criteria provided, single submitter. Criteria: Invitae Variant Classification Sherloc (09022015). Collection method: clinical testing. Allele origin: germline.
Comment: This sequence change replaces alanine, which is neutral and non-polar, with valine, which is neutral and non-polar, at codon 266 of the TSEN2 protein (p.Ala266Val). This variant is not present in population databases (gnomAD no frequency). This variant has not been reported in the literature in individuals affected with TSEN2-related conditions. Advanced modeling of protein sequence and biophysical properties (such as structural, functional, and spatial information, amino acid conservation, physicochemical variation, residue mobility, and thermodynamic stability) performed at Invitae indicates that this missense variant is not expected to disrupt TSEN2 protein function with a negative predictive value of 80%. In summary, the available evidence is currently insufficient to determine the role of this variant in disease. Therefore, it has been classified as a Variant of Uncertain Significance.